The following is an entry in ClinVar:

NM_001291303.3(FAT4):c.11378T>C (p.Leu3793Pro)

Gene: FAT4 (FAT atypical cadherin 4; plus strand). Cytogenetic location: 4q28.1.
Variant type: single nucleotide variant.
Coding change: c.11378T>C on transcript NM_001291303.3 (MANE Select); coding-DNA position 11378, T replaced by C.
Protein change: p.Leu3793Pro; replaces leucine 3793 with proline.
Molecular consequence: missense variant.
Genome position (GRCh38, 1-based): chr4:125,452,388, T>C. VCF-style: chr4-125452388-T-C. GRCh37 (hg19) VCF-style: chr4-126373543-T-C.
Other names: c.11378T>C, p.Leu3793Pro (NM_001291285.3); c.11372T>C, p.Leu3791Pro (NM_024582.6); short protein forms L3791P, L3793P.
Identifiers: ClinVar variation 1314147 (VCV001314147.8), dbSNP rs149757393, ClinGen allele CA3073840.

ClinVar aggregate classification (germline): Uncertain significance. Review status: criteria provided, multiple submitters, no conflicts (2 of 4 stars). 4 submissions from 4 submitters: Uncertain significance (4). Last evaluated 2025-02-06.

Conditions:
Inborn genetic diseases. Identifiers: MedGen C0950123, MeSH D030342.

Allele frequency attached by ClinVar (database versions not stated): ESP Exome Variant Server 0.00015; 1000 Genomes Project 30x 0.00016; gnomAD exomes 0.00016 and 0.00024; TOPMed 0.00017; 1000 Genomes Project 0.00020; ExAC 0.00020; gnomAD 0.00023.

Submissions (4):

Women's Health and Genetics/Laboratory Corporation of America, LabCorp
Classification: Uncertain significance. Last evaluated: 2025-02-06. Review status: criteria provided, single submitter. Criteria: LabCorp Variant Classification Summary - May 2015. Collection method: clinical testing. Allele origin: germline.
Comment: Variant summary: FAT4 c.11372T>C (p.Leu3791Pro) results in a non-conservative amino acid change in the encoded protein sequence. Three of four in-silico tools predict a benign effect of the variant on protein function. The variant allele was found at a frequency of 0.00016 in 250904 control chromosomes. This frequency is not significantly higher than estimated for a pathogenic variant in FAT4 causing FAT4-Related Disorders, allowing no conclusion about variant significance. To our knowledge, no occurrence of c.11372T>C in individuals affected with FAT4-Related Disorders and no experimental evidence demonstrating its impact on protein function have been reported. ClinVar contains an entry for this variant (Variation ID: 1314147). Based on the evidence outlined above, the variant was classified as uncertain significance.

Ambry Genetics
Classification: Uncertain significance for Inborn genetic diseases. Last evaluated: 2025-01-18. Review status: criteria provided, single submitter. Criteria: Ambry Variant Classification Scheme 2023. Collection method: clinical testing. Allele origin: germline.

GeneDx
Classification: Uncertain significance. Last evaluated: 2024-07-29. Review status: criteria provided, single submitter. Criteria: GeneDx Variant Classification Process June 2021. Collection method: clinical testing. Allele origin: germline. Affected: yes.
Comment: In silico analysis indicates that this missense variant does not alter protein structure/function; Has not been previously published as pathogenic or benign to our knowledge

Labcorp Genetics (formerly Invitae), Labcorp
Classification: Uncertain significance. Last evaluated: 2022-10-24. Review status: criteria provided, single submitter. Criteria: Invitae Variant Classification Sherloc (09022015). Collection method: clinical testing. Allele origin: germline.
Comment: This sequence change replaces leucine, which is neutral and non-polar, with proline, which is neutral and non-polar, at codon 3791 of the FAT4 protein (p.Leu3791Pro). This variant is present in population databases (rs149757393, gnomAD 0.03%). This variant has not been reported in the literature in individuals affected with FAT4-related conditions. ClinVar contains an entry for this variant (Variation ID: 1314147). Advanced modeling of protein sequence and biophysical properties (such as structural, functional, and spatial information, amino acid conservation, physicochemical variation, residue mobility, and thermodynamic stability) performed at Invitae indicates that this missense variant is not expected to disrupt FAT4 protein function. In summary, the available evidence is currently insufficient to determine the role of this variant in disease. Therefore, it has been classified as a Variant of Uncertain Significance.